The following is an entry in ClinVar:

NM_001267550.2(TTN):c.9031A>G (p.Thr3011Ala)

Gene: TTN (titin; minus strand). Cytogenetic location: 2q31.2.
Variant type: single nucleotide variant.
Coding change: c.9031A>G on transcript NM_001267550.2 (MANE Select); coding-DNA position 9031, A replaced by G.
Protein change: p.Thr3011Ala; replaces threonine 3011 with alanine.
Molecular consequence: missense variant.
Genome position (GRCh38, 1-based): chr2:178,768,805, T>C on the plus strand (A>G on the coding strand, the complement: TTN is on the minus strand). VCF-style: chr2-178768805-T-C. GRCh37 (hg19) VCF-style: chr2-179633532-T-C.
Other names: c.9031A>G, p.Thr3011Ala (NM_001256850.1, NM_133379.5, NM_133378.4); c.8893A>G, p.Thr2965Ala (NM_003319.4, NM_133432.3, NM_133437.4); short protein forms T3011A, T2965A.
Identifiers: ClinVar variation 179167 (VCV000179167.5), dbSNP rs727504682, ClinGen allele CA183855.
Genomic context (GRCh38, chr2:178,768,805, plus strand): 5'-GAACATTCCTGATGTTCAGTGAGTGTGTGAGCTTTTTGGTTCTCATCTGGCACTTGTCAG[T>C]TGATTTGATTTCCACACCATTCTTTAACCATTTGTAAGAGATGCCTTCATAGTTCACTGT-3'
Protein context (NP_001254479.2, residues 3001-3021): WLKNGVEIKS[Thr3011Ala]DKCQMRTKKL

ClinVar aggregate classification (germline): Uncertain significance (1 of 4 stars; one submission).

Submission:

Laboratory for Molecular Medicine, Mass General Brigham Personalized Medicine
Classification: Uncertain significance. Last evaluated: 2013-08-22. Review status: criteria provided, single submitter. Criteria: LMM Criteria. Collection method: clinical testing. Allele origin: germline. Observed: 1 variant allele.
Comment: The Thr3011Ala variant in TTN has not been reported in individuals with cardiomy opathy or in large population studies. Computational analyses (biochemical amino acid properties, conservation, AlignGVGD, PolyPhen2, and SIFT) do not provide s trong support for or against an impact to the protein. Additional information is needed to fully assess the clinical significance of the Thr3011Ala variant.